The following is an entry in ClinVar:

ClinVar aggregate classification (germline): Uncertain significance. Review status: criteria provided, multiple submitters, no conflicts (2 of 4 stars). 3 submissions from 3 submitters: Uncertain significance (3). Last evaluated 2022-05-30.

Conditions:
VPS13A-related neurodegenerative disease. Also called: Choreoacanthocytosis; Chorea-acanthocytosis; LEVINE-CRITCHLEY SYNDROME; Choreaacanthocytosis; ACANTHOCYTOSIS WITH NEUROLOGIC DISORDER; VPS13A Disease. Identifiers: Orphanet 2388, MedGen C0393576, MONDO:0008695, OMIM 200150.

Allele frequency attached by ClinVar (database versions not stated): gnomAD 0.00007; ESP Exome Variant Server 0.00008; TOPMed 0.00012; 1000 Genomes Project 0.00020; 1000 Genomes Project 30x 0.00031; gnomAD exomes 0.00006; ExAC 0.00007.
gnomAD v4.1: 91 of 1,611,238 alleles (0.0056%); highest among the groups gnomAD compares: African/African-American, 0.012%; no homozygotes.

Submissions (3):

Labcorp Genetics (formerly Invitae), Labcorp
Classification: Uncertain significance. Last evaluated: 2022-05-30. Review status: criteria provided, single submitter. Criteria: Invitae Variant Classification Sherloc (09022015). Collection method: clinical testing. Allele origin: germline.
Comment: This sequence change replaces asparagine, which is neutral and polar, with serine, which is neutral and polar, at codon 2025 of the VPS13A protein (p.Asn2025Ser). This variant is present in population databases (rs371055567, gnomAD 0.04%). This variant has not been reported in the literature in individuals affected with VPS13A-related conditions. ClinVar contains an entry for this variant (Variation ID: 367397). Algorithms developed to predict the effect of missense changes on protein structure and function (SIFT, PolyPhen-2, Align-GVGD) all suggest that this variant is likely to be tolerated. Algorithms developed to predict the effect of sequence changes on RNA splicing suggest that this variant may create or strengthen a splice site. In summary, the available evidence is currently insufficient to determine the role of this variant in disease. Therefore, it has been classified as a Variant of Uncertain Significance.

Illumina Laboratory Services, Illumina
Classification: Uncertain significance for VPS13A-related neurodegenerative disease. Last evaluated: 2018-01-12. Review status: criteria provided, single submitter. Criteria: ICSL Variant Classification Criteria 13 December 2019. Collection method: clinical testing. Allele origin: germline.

Breakthrough Genomics
Classification: Uncertain significance. Review status: criteria provided, single submitter. Criteria: ACMG Guidelines, 2015. Collection method: not provided. Allele origin: germline. Inheritance: Autosomal recessive inheritance. Affected: yes.

NM_033305.3(VPS13A):c.6074A>G (p.Asn2025Ser)

Gene: VPS13A (vacuolar protein sorting 13 homolog A; plus strand). Cytogenetic location: 9q21.2.
Variant type: single nucleotide variant.
Coding change: c.6074A>G on transcript NM_033305.3 (MANE Select); coding-DNA position 6074, A replaced by G.
Protein change: p.Asn2025Ser; replaces asparagine 2025 with serine.
Molecular consequence: missense variant.
Genome position (GRCh38, 1-based): chr9:77,332,092, A>G. VCF-style: chr9-77332092-A-G. GRCh37 (hg19) VCF-style: chr9-79947008-A-G.
Other names: c.5957A>G, p.Asn1986Ser (NM_001018037.2); c.6074A>G, p.Asn2025Ser (NM_001018038.3, NM_015186.4); short protein forms N2025S, N1986S.
Identifiers: ClinVar variation 367397 (VCV000367397.7), dbSNP rs371055567, ClinGen allele CA5092933.